The following is an entry in ClinVar:

ClinVar aggregate classification (germline): Uncertain significance. Review status: criteria provided, multiple submitters, no conflicts (2 of 4 stars). 3 submissions from 3 submitters: Uncertain significance (3). Last evaluated 2025-08-12.

Conditions:
Congenital disorder of glycosylation type Ir (CDG1R). Also called: DDOST-congenital disorder of glycosylation. Identifiers: Orphanet 300536, MedGen C3281084, MONDO:0013789, OMIM 614507.

Allele frequency attached by ClinVar (database versions not stated): 1000 Genomes Project 30x 0.00016; 1000 Genomes Project 0.00020; TOPMed 0.00036; gnomAD exomes 0.00038 and 0.00045; gnomAD 0.00050 and 0.00051; ExAC 0.00054; ESP Exome Variant Server 0.00069.
gnomAD v4.1: 703 of 1,564,482 alleles (0.045%); highest among the groups gnomAD compares: Admixed American, 0.079%; no homozygotes.

Submissions (3):

Labcorp Genetics (formerly Invitae), Labcorp
Classification: Uncertain significance for Congenital disorder of glycosylation type Ir. Last evaluated: 2025-08-12. Review status: criteria provided, single submitter. Criteria: Invitae Variant Classification Sherloc (09022015). Collection method: clinical testing. Allele origin: germline.
Comment: This sequence change replaces threonine, which is neutral and polar, with methionine, which is neutral and non-polar, at codon 216 of the DDOST protein (p.Thr216Met). This variant is present in population databases (rs142593688, gnomAD 0.07%), and has an allele count higher than expected for a pathogenic variant. This variant has not been reported in the literature in individuals affected with DDOST-related conditions. ClinVar contains an entry for this variant (Variation ID: 577586). Invitae Evidence Modeling of protein sequence and biophysical properties (such as structural, functional, and spatial information, amino acid conservation, physicochemical variation, residue mobility, and thermodynamic stability) indicates that this missense variant is not expected to disrupt DDOST protein function with a negative predictive value of 80%. In summary, the available evidence is currently insufficient to determine the role of this variant in disease. Therefore, it has been classified as a Variant of Uncertain Significance.

Fulgent Genetics
Classification: Uncertain significance for Congenital disorder of glycosylation type Ir. Last evaluated: 2022-01-06. Review status: criteria provided, single submitter. Criteria: ACMG Guidelines, 2015. Collection method: clinical testing. Allele origin: unknown.

Breakthrough Genomics
Classification: Uncertain significance. Review status: criteria provided, single submitter. Criteria: ACMG Guidelines, 2015. Collection method: not provided. Allele origin: germline. Inheritance: Autosomal recessive inheritance. Affected: yes.

NM_005216.5(DDOST):c.596C>T (p.Thr199Met)

Gene: DDOST (dolichyl-diphosphooligosaccharide--protein glycosyltransferase non-catalytic subunit; minus strand). Cytogenetic location: 1p36.12.
Variant type: single nucleotide variant.
Coding change: c.596C>T on transcript NM_005216.5 (MANE Select); coding-DNA position 596, C replaced by T.
Protein change: p.Thr199Met; replaces threonine 199 with methionine.
Molecular consequence: missense variant.
Genome position (GRCh38, 1-based): chr1:20,654,663, G>A on the plus strand (C>T on the coding strand, the complement: DDOST is on the minus strand). VCF-style: chr1-20654663-G-A. GRCh37 (hg19) VCF-style: chr1-20981156-G-A.
Other names: short protein forms T216M, T199M.
Identifiers: ClinVar variation 577586 (VCV000577586.11), dbSNP rs142593688, ClinGen allele CA661174.